The following is an entry in ClinVar:

ClinVar aggregate classification (germline): Uncertain significance (1 of 4 stars; one submission).

Submission:

GeneDx
Classification: Uncertain significance. Last evaluated: 2023-06-05. Review status: criteria provided, single submitter. Criteria: GeneDx Variant Classification Process June 2021. Collection method: clinical testing. Allele origin: germline. Affected: yes.
Comment: Not observed at significant frequency in large population cohorts (gnomAD); Frameshift variant predicted to result in protein truncation or nonsense mediated decay in a gene or region of a gene for which loss of function is not a well-established mechanism of disease; Has not been previously published as pathogenic or benign to our knowledge

NM_138615.3(DHX30):c.492del (p.Trp165fs)

Gene: DHX30 (DExH-box helicase 30; plus strand). Cytogenetic location: 3p21.31.
Variant type: Deletion.
Coding change: c.492del on transcript NM_138615.3 (MANE Select); coding-DNA position 492, one base deleted (C; older notation c.492delC).
Protein change: p.Trp165fs; shifts the reading frame from tryptophan 165.
Molecular consequence: frameshift variant.
Genome position (GRCh38, 1-based): chr3:47,841,002, C deleted; the last of 2 consecutive C bases (chr3:47,841,001-47,841,002); deleting either gives the same sequence. VCF-style (leftmost placement, unchanged base first): chr3-47841000-TC-T. GRCh37 (hg19) VCF-style: chr3-47882490-TC-T.
Other names: c.408del, p.Trp137fs (NM_001330990.2); c.375del, p.Trp126fs (NM_014966.4); short protein forms W126fs, W137fs, W165fs.
Identifiers: ClinVar variation 3253548 (VCV003253548.1), dbSNP rs2549283049.
Genomic context (GRCh38, chr3:47,841,000, plus strand): 5'-GATCGCTTTGGCTCCCCTGCCGACAGCTGGTGGCGTCCGGAACCCACCATGCCCCCTACT[TC>T]CTGGCGGCAGCTGAATCCAGAGAGTATTCGACCAGGGGGACCTGGGGGCCTATCCCGCTC-3'